The following is an entry in ClinVar:

ClinVar aggregate classification (germline): Pathogenic. Review status: criteria provided, single submitter (1 of 4 stars). 2 submissions from 2 submitters: Pathogenic (1). 1 of the submissions does not count toward it. Last evaluated 2025-12-05.

Conditions:
Neurodevelopmental disorder with dysmorphic facies and variable seizures (NEDDFAS). Also called: EMC10-Related Neurodevelopmental Disorder. Identifiers: MedGen C5543268, MONDO:0031011, OMIM 619264.

Submissions (2):

3billion
Classification: Pathogenic for Neurodevelopmental disorder with dysmorphic facies and variable seizures. Last evaluated: 2025-12-05. Review status: criteria provided, single submitter. Criteria: ACMG Guidelines, 2015. Collection method: clinical testing. Allele origin: germline. Affected: yes.
Comment: The variant is not observed in the gnomAD v4.1.0 dataset. Predicted Consequence/Location: Canonical splice site: predicted to alter splicing and result in a loss or disruption of normal protein function. Multiple pathogenic loss-of-function variants are reported downstream of the variant. In silico tools predict the variant to alter splicing and produce an abnormal transcript [SpliceAI: 0.96 (spliceogenicity >=0.2, non-spliceogenicity <0.1)]. The variant has been reported to be associated with EMC10-related disorder (ClinVar ID: VCV001704223 /PMID: 35684946). Therefore, this variant is classified as Pathogenic according to the recommendation of ACMG/AMP guideline.

OMIM
Classification: Pathogenic for NEURODEVELOPMENTAL DISORDER WITH DYSMORPHIC FACIES AND VARIABLE SEIZURES. Last evaluated: 2022-09-06. Review status: no assertion criteria provided. Collection method: literature only. Allele origin: germline. Not counted in ClinVar's aggregate classification.

Literature cited by the submitters: PubMed 35684946 (cited by 3billion and OMIM).

NM_206538.4(EMC10):c.188-2A>C

Gene: EMC10 (ER membrane protein complex subunit 10; plus strand). Cytogenetic location: 19q13.33.
Variant type: single nucleotide variant.
Coding change: c.188-2A>C on transcript NM_206538.4 (MANE Select); the canonical splice acceptor site of the intron before coding-DNA position 188, A replaced by C.
Molecular consequence: splice acceptor variant.
Genome position (GRCh38, 1-based): chr19:50,478,955, A>C. VCF-style: chr19-50478955-A-C. GRCh37 (hg19) VCF-style: chr19-50982212-A-C.
Other names: IVS2, A-C, -2; c.188-2A>C (NM_175063.6).
Identifiers: ClinVar variation 1704223 (VCV001704223.2), dbSNP rs2513792624, ClinGen allele CA406987107.